The following is an entry in ClinVar:

ClinVar aggregate classification (germline): Uncertain significance (1 of 4 stars; one submission).

Conditions:
DNA ligase IV deficiency. Identifiers: Orphanet 99812, MedGen C1847827, MONDO:0011686, OMIM 606593.

Submission:

Labcorp Genetics (formerly Invitae), Labcorp
Classification: Uncertain significance for DNA ligase IV deficiency. Last evaluated: 2024-10-21. Review status: criteria provided, single submitter. Criteria: Invitae Variant Classification Sherloc (09022015). Collection method: clinical testing. Allele origin: germline.
Comment: This sequence change replaces glycine, which is neutral and non-polar, with valine, which is neutral and non-polar, at codon 494 of the LIG4 protein (p.Gly494Val). This variant is not present in population databases (gnomAD no frequency). This variant has not been reported in the literature in individuals affected with LIG4-related conditions. ClinVar contains an entry for this variant (Variation ID: 2009289). Invitae Evidence Modeling of protein sequence and biophysical properties (such as structural, functional, and spatial information, amino acid conservation, physicochemical variation, residue mobility, and thermodynamic stability) has been performed for this missense variant. However, the output from this modeling did not meet the statistical confidence thresholds required to predict the impact of this variant on LIG4 protein function. In summary, the available evidence is currently insufficient to determine the role of this variant in disease. Therefore, it has been classified as a Variant of Uncertain Significance.

NM_206937.2(LIG4):c.1481G>T (p.Gly494Val)

Gene: LIG4 (DNA ligase 4; minus strand). Cytogenetic location: 13q33.3.
Variant type: single nucleotide variant.
Coding change: c.1481G>T on transcript NM_206937.2 (MANE Select); coding-DNA position 1481, G replaced by T.
Protein change: p.Gly494Val; replaces glycine 494 with valine.
Molecular consequence: missense variant.
Genome position (GRCh38, 1-based): chr13:108,209,788, C>A on the plus strand (G>T on the coding strand, the complement: LIG4 is on the minus strand). VCF-style: chr13-108209788-C-A. GRCh37 (hg19) VCF-style: chr13-108862136-C-A.
Other names: c.1481G>T, p.Gly494Val (NM_001098268.2, NM_001352598.2, NM_001352599.2 and 6 more transcripts); c.1280G>T, p.Gly427Val (NM_001330595.2); c.1517G>T, p.Gly506Val (NM_001352604.2); short protein forms G427V, G506V, G494V.
Identifiers: ClinVar variation 2009289 (VCV002009289.4), dbSNP rs2501599955, ClinGen allele CA388617143.